The following is an entry in ClinVar:

ClinVar aggregate classification (germline): Pathogenic. Review status: criteria provided, multiple submitters, no conflicts (2 of 4 stars). 4 submissions from 4 submitters: Pathogenic (4). Last evaluated 2025-11-18.

Conditions:
Gaucher disease. Also called: Acute cerebral Gaucher disease; Cerebroside lipidosis syndrome; Gaucher splenomegaly; Sphingolipidosis 1; Glucocerebrosidosis; Glucosylceramidase deficiency. Identifiers: Orphanet 355, MedGen C0017205, MONDO:0018150.
Gaucher disease type I (GD1). Also called: GAUCHER DISEASE, NONCEREBRAL JUVENILE; GBA DEFICIENCY; GD I; GLUCOCEREBROSIDASE DEFICIENCY; GD 1; Type 1 Gaucher Disease. Identifiers: Orphanet 355, Orphanet 77259, MedGen C1961835, MONDO:0009265, OMIM 230800.
Gaucher disease-ophthalmoplegia-cardiovascular calcification syndrome. Also called: GAUCHER DISEASE, TYPE IIIC. Identifiers: Orphanet 2072, MedGen C1856476, MONDO:0009268, OMIM 231005.
Gaucher disease perinatal lethal. Also called: Gaucher disease collodion type; Gaucher Disease, Perinatal-Lethal Form. Identifiers: Orphanet 85212, MedGen C1842704, MONDO:0011945, OMIM 608013.
Gaucher disease type II (GD2). Also called: GAUCHER DISEASE, ACUTE NEURONOPATHIC TYPE; GD II; Type 2 Gaucher disease (Acute; Infantile); Acute neuronopathic Gaucher's disease. Identifiers: Orphanet 77260, MedGen C0268250, MONDO:0009266, OMIM 230900.
Gaucher disease type III. Also called: GAUCHER DISEASE, CHRONIC NEURONOPATHIC TYPE; GAUCHER DISEASE, JUVENILE AND ADULT, CEREBRAL; GAUCHER DISEASE, SUBACUTE NEURONOPATHIC TYPE; GD III; Type 3 Gaucher disease (Subacute; Juvenile); Subacute neuronopathic Gaucher's disease. Identifiers: Orphanet 355, Orphanet 77261, MedGen C0268251, MONDO:0009267, OMIM 231000.

Allele frequency attached by ClinVar (database versions not stated): gnomAD exomes below 0.00001; TOPMed below 0.00001; gnomAD 0.00001.
gnomAD v4.1: 8 of 1,613,982 alleles (0.0005%); highest among the groups gnomAD compares: South Asian, 0.0011%; no homozygotes.

Submissions (4):

Natera, Inc.
Classification: Pathogenic for Gaucher disease. Last evaluated: 2025-11-18. Review status: criteria provided, single submitter. Criteria: Natera Variant Classification Schema (03/2026). Collection method: clinical testing. Allele origin: germline.
Comment: The c.1312G>A variant in GBA1 is a missense variant predicted to cause substitution of aspartic acid to asparagine at amino acid 438. This variant is rare in the general population with a frequency below the threshold expected for the associated phenotype(s). This variant has been observed in one or more individuals affected with the associated recessive disease, as either homozygous or compound heterozygous with a second variant (PMID: 35845720, 10796875). Given the available evidence, this variant is classified as Pathogenic.

Labcorp Genetics (formerly Invitae), Labcorp
Classification: Pathogenic. Last evaluated: 2024-04-02. Review status: criteria provided, single submitter. Criteria: Invitae Variant Classification Sherloc (09022015). Collection method: clinical testing. Allele origin: germline.
Comment: This sequence change replaces aspartic acid, which is acidic and polar, with asparagine, which is neutral and polar, at codon 438 of the GBA protein (p.Asp438Asn). This variant is not present in population databases (gnomAD no frequency). This missense change has been observed in individuals with Gaucher disease (PMID: 8733893, 9856561, 12204005). This variant is also known as D399N. ClinVar contains an entry for this variant (Variation ID: 496081). Advanced modeling of protein sequence and biophysical properties (such as structural, functional, and spatial information, amino acid conservation, physicochemical variation, residue mobility, and thermodynamic stability) performed at Invitae indicates that this missense variant is expected to disrupt GBA protein function with a positive predictive value of 80%. Experimental studies have shown that this missense change affects GBA function (PMID: 16293621). This variant disrupts the p.Asp438 amino acid residue in GBA. Other variant(s) that disrupt this residue have been observed in individuals with GBA-related conditions (PMID: 10796875, 23430543), which suggests that this may be a clinically significant amino acid residue. For these reasons, this variant has been classified as Pathogenic.

Women's Health and Genetics/Laboratory Corporation of America, LabCorp
Classification: Pathogenic for Gaucher disease. Last evaluated: 2016-08-29. Review status: criteria provided, single submitter. Criteria: LabCorp Variant Classification Summary - May 2015. Collection method: clinical testing. Allele origin: germline.
Comment: Variant summary: The GBA c.1312G>A (p.Asp438Asn) variant involves the alteration of a conserved nucleotide. 2/4 in silico tools predict a damaging outcome for this variant (SNPs&GO not captured due to low reliability index). This variant is located in the catalytic domain and/or the TIM-barrel domain (InterPro). In addition, two loops involving Ser345Glu349 and Val394Asp399 are reported to apparently control active site access (Liou_2006). This variant is absent in 118172 control chromosomes. It has been widely reported as a pathogenic variant in literature and has been reported in at least five patients with Gaucher disease in the compound heterozygous state with other pathogenic variants. A functional study shows that this variant severely decreases the enzymatic activity (Liou_2006). One reputable database has classified it as disease causing mutation. Taken together, this variant is classified as Pathogenic.

Juno Genomics, Hangzhou Juno Genomics, Inc
Classification: Pathogenic for Gaucher disease perinatal lethal; Gaucher disease type I; Gaucher disease type II; Gaucher disease type III; Gaucher disease-ophthalmoplegia-cardiovascular calcification syndrome. Review status: criteria provided, single submitter. Criteria: ACMG Guidelines, 2015. Collection method: clinical testing. Allele origin: germline.
Comment: Absent from controls (or at extremely low frequency if recessive) in Genome Aggregation Database.;Multiple lines of computational evidence support a deleterious effect on the gene or gene product.;For recessive disorders, detected in trans with a pathogenic variant.

Literature cited by the submitters: PubMed 35845720 (cited by Natera, Inc.); PubMed 10796875 (cited by Natera, Inc. and Labcorp Genetics (formerly Invitae), Labcorp); PubMed 8733893 (cited by Labcorp Genetics (formerly Invitae), Labcorp); PubMed 9856561 (cited by Labcorp Genetics (formerly Invitae), Labcorp); PubMed 12204005 (cited by Labcorp Genetics (formerly Invitae), Labcorp); PubMed 16293621 (cited by Labcorp Genetics (formerly Invitae), Labcorp and Women's Health and Genetics/Laboratory Corporation of America, LabCorp); PubMed 23430543 (cited by Labcorp Genetics (formerly Invitae), Labcorp); PubMed 15605411 (cited by Women's Health and Genetics/Laboratory Corporation of America, LabCorp).

NM_000157.4(GBA1):c.1312G>A (p.Asp438Asn)

Genes: GBA1 (glucosylceramidase beta 1; minus strand), LOC106627981 (GBA recombination region; plus strand). Cytogenetic location: 1q22.
Variant type: single nucleotide variant.
Coding change: c.1312G>A on transcript NM_000157.4 (MANE Select); coding-DNA position 1312, G replaced by A.
Protein change: p.Asp438Asn; replaces aspartic acid 438 with asparagine.
Molecular consequence: missense variant.
Genome position (GRCh38, 1-based): chr1:155,235,757, C>T on the plus strand (G>A on the coding strand, the complement: GBA1 is on the minus strand). VCF-style: chr1-155235757-C-T. GRCh37 (hg19) VCF-style: chr1-155205548-C-T.
Other names: c.1312G>A, p.Asp438Asn (NM_001005741.3, NM_001005742.3); c.1051G>A, p.Asp351Asn (NM_001171811.2); c.1165G>A, p.Asp389Asn (NM_001171812.2); c.1312G>A (NM_000157.3); short protein forms D438N, D389N, D351N.
Identifiers: ClinVar variation 496081 (VCV000496081.15), dbSNP rs1553217009, ClinGen allele CA342713229.